The following is an entry in ClinVar:

NM_002615.7(SERPINF1):c.1171A>C (p.Asn391His)

Gene: SERPINF1 (serpin family F member 1; plus strand). Cytogenetic location: 17p13.3.
Variant type: single nucleotide variant.
Coding change: c.1171A>C on transcript NM_002615.7 (MANE Select); coding-DNA position 1171, A replaced by C.
Protein change: p.Asn391His; replaces asparagine 391 with histidine.
Molecular consequence: missense variant.
Genome position (GRCh38, 1-based): chr17:1,777,360, A>C. VCF-style: chr17-1777360-A-C. GRCh37 (hg19) VCF-style: chr17-1680654-A-C.
Other names: c.1171A>C, p.Asn391His (NM_001329903.2); c.610A>C, p.Asn204His (NM_001329904.2, NM_001329905.2); short protein forms N204H, N391H.
Identifiers: ClinVar variation 2500362 (VCV002500362.1), dbSNP rs201113182, ClinGen allele CA397591205.

ClinVar aggregate classification (germline): Uncertain significance (1 of 4 stars; one submission).

Submission:

GeneDx
Classification: Uncertain significance. Last evaluated: 2022-11-01. Review status: criteria provided, single submitter. Criteria: GeneDx Variant Classification Process June 2021. Collection method: clinical testing. Allele origin: germline. Affected: yes.
Comment: Not observed at significant frequency in large population cohorts (gnomAD); In silico analysis supports that this missense variant has a deleterious effect on protein structure/function; Has not been previously published as pathogenic or benign to our knowledge